The following is an entry in ClinVar:

NM_003579.4(RAD54L):c.62A>G (p.Asp21Gly)

Gene: RAD54L (RAD54 like; plus strand). Cytogenetic location: 1p34.1.
Variant type: single nucleotide variant.
Coding change: c.62A>G on transcript NM_003579.4 (MANE Select); coding-DNA position 62, A replaced by G.
Protein change: p.Asp21Gly; replaces aspartic acid 21 with glycine.
Molecular consequence: missense variant. On other transcripts: 5 prime UTR variant (1).
Genome position (GRCh38, 1-based): chr1:46,248,570, A>G. VCF-style: chr1-46248570-A-G. GRCh37 (hg19) VCF-style: chr1-46714242-A-G.
Other names: NP_003570.2:p.Asp21Gly; NC_000001.10:g.46714242A>G; c.62A>G, p.Asp21Gly (NM_001142548.2); c.-479A>G (NM_001370766.1); c.62A>G (NM_003579.3); short protein forms D21G.
Identifiers: ClinVar variation 1678875 (VCV001678875.18), dbSNP rs28363192, ClinGen allele CA834117.

ClinVar aggregate classification (germline): Benign/Likely benign. Review status: criteria provided, multiple submitters, no conflicts (2 of 4 stars). 4 submissions from 4 submitters: Benign (3); Likely benign (1). Last evaluated 2024-09-01.

Conditions:
Hereditary breast ovarian cancer syndrome. Also called: Hereditary breast and/or ovarian cancer syndrome; Hereditary breast and ovarian cancer; BRCA1- and BRCA2-Associated Hereditary Breast and Ovarian Cancer; Hereditary breast and ovarian cancer syndrome; Hereditary breast and ovarian cancer syndrome (HBOC); Breast and ovarian cancer. Identifiers: Orphanet 145, MedGen C0677776, MeSH D061325, MONDO:0003582. Disease mechanism: loss of function.

Allele frequency attached by ClinVar (database versions not stated): 1000 Genomes Project 0.00240; 1000 Genomes Project 30x 0.00265; TOPMed 0.00856; gnomAD 0.00968 and 0.01017; gnomAD exomes 0.01012 and 0.01515; ExAC 0.01094; ESP Exome Variant Server 0.01161.
gnomAD v4.1: 23,348 of 1,614,142 alleles (1.4%); highest among the groups gnomAD compares: Non-Finnish European, 1.8%; 221 homozygotes.

Submissions (26):

CeGaT Center for Human Genetics Tuebingen
Classification: Benign. Last evaluated: 2024-09-01. Review status: criteria provided, single submitter. Criteria: CeGaT Center For Human Genetics Tuebingen Variant Classification Criteria Version 2. Collection method: clinical testing. Allele origin: germline. Affected: yes. Observed: 1 variant allele.
Comment: RAD54L: BP4, BS1, BS2

National Health Laboratory Service, Universitas Academic Hospital and University of the Free State
Classification: Benign for Hereditary breast ovarian cancer syndrome. Last evaluated: 2022-04-19. Review status: criteria provided, single submitter. Criteria: ACMG Guidelines, 2015. Collection method: clinical testing. Allele origin: germline. Affected: yes. Observed: 1 variant allele.

Ambry Genetics
Classification: Benign. Last evaluated: 2019-09-17. Review status: criteria provided, single submitter. Criteria: Ambry Variant Classification Scheme 2023. Collection method: clinical testing. Allele origin: germline.

Breakthrough Genomics
Classification: Likely benign. Review status: criteria provided, single submitter. Criteria: ACMG Guidelines, 2015. Collection method: not provided. Allele origin: germline. Inheritance: Autosomal dominant inheritance. Affected: yes.

Dr. Peter K. Rogan Lab, Western University
No classification provided (evidence only). Condition: Clear cell carcinoma of kidney. Review status: no classification provided. Collection method: in vitro. Allele origin: not applicable. Functional consequence: retained intron. Not counted in ClinVar's aggregate classification.

Dr. Peter K. Rogan Lab, Western University
No classification provided (evidence only). Condition: Melanoma. Review status: no classification provided. Collection method: in vitro. Allele origin: not applicable. Functional consequence: retained intron. Not counted in ClinVar's aggregate classification.

Dr. Peter K. Rogan Lab, Western University
No classification provided (evidence only). Condition: Melanoma. Review status: no classification provided. Collection method: in vitro. Allele origin: not applicable. Functional consequence: retained intron. Not counted in ClinVar's aggregate classification.

Dr. Peter K. Rogan Lab, Western University
No classification provided (evidence only). Condition: Melanoma. Review status: no classification provided. Collection method: in vitro. Allele origin: not applicable. Functional consequence: retained intron. Not counted in ClinVar's aggregate classification.

Dr. Peter K. Rogan Lab, Western University
No classification provided (evidence only). Condition: Melanoma. Review status: no classification provided. Collection method: in vitro. Allele origin: not applicable. Functional consequence: retained intron. Not counted in ClinVar's aggregate classification.

Dr. Peter K. Rogan Lab, Western University
No classification provided (evidence only). Condition: Colon adenocarcinoma. Review status: no classification provided. Collection method: in vitro. Allele origin: not applicable. Functional consequence: retained intron. Not counted in ClinVar's aggregate classification.

Dr. Peter K. Rogan Lab, Western University
No classification provided (evidence only). Condition: Colorectal cancer. Review status: no classification provided. Collection method: in vitro. Allele origin: not applicable. Functional consequence: retained intron. Not counted in ClinVar's aggregate classification.

Dr. Peter K. Rogan Lab, Western University
No classification provided (evidence only). Condition: Thyroid cancer, nonmedullary, 1. Review status: no classification provided. Collection method: in vitro. Allele origin: not applicable. Functional consequence: retained intron. Not counted in ClinVar's aggregate classification.

Dr. Peter K. Rogan Lab, Western University
No classification provided (evidence only). Condition: Thyroid cancer, nonmedullary, 1. Review status: no classification provided. Collection method: in vitro. Allele origin: not applicable. Functional consequence: retained intron. Not counted in ClinVar's aggregate classification.

Dr. Peter K. Rogan Lab, Western University
No classification provided (evidence only). Condition: Uterine corpus endometrial carcinoma. Review status: no classification provided. Collection method: in vitro. Allele origin: not applicable. Functional consequence: retained intron. Not counted in ClinVar's aggregate classification.

Dr. Peter K. Rogan Lab, Western University
No classification provided (evidence only). Condition: Uterine corpus endometrial carcinoma. Review status: no classification provided. Collection method: in vitro. Allele origin: not applicable. Functional consequence: retained intron. Not counted in ClinVar's aggregate classification.

Dr. Peter K. Rogan Lab, Western University
No classification provided (evidence only). Condition: Cervical cancer. Review status: no classification provided. Collection method: in vitro. Allele origin: not applicable. Functional consequence: retained intron. Not counted in ClinVar's aggregate classification.

Dr. Peter K. Rogan Lab, Western University
No classification provided (evidence only). Condition: Cervical cancer. Review status: no classification provided. Collection method: in vitro. Allele origin: not applicable. Functional consequence: retained intron. Not counted in ClinVar's aggregate classification.

Dr. Peter K. Rogan Lab, Western University
No classification provided (evidence only). Condition: Cervical cancer. Review status: no classification provided. Collection method: in vitro. Allele origin: not applicable. Functional consequence: retained intron. Not counted in ClinVar's aggregate classification.

Dr. Peter K. Rogan Lab, Western University
No classification provided (evidence only). Condition: Cervical cancer. Review status: no classification provided. Collection method: in vitro. Allele origin: not applicable. Functional consequence: retained intron. Not counted in ClinVar's aggregate classification.

Dr. Peter K. Rogan Lab, Western University
No classification provided (evidence only). Condition: Sarcoma. Review status: no classification provided. Collection method: in vitro. Allele origin: not applicable. Functional consequence: retained intron. Not counted in ClinVar's aggregate classification.

Dr. Peter K. Rogan Lab, Western University
No classification provided (evidence only). Condition: Thymoma. Review status: no classification provided. Collection method: in vitro. Allele origin: not applicable. Functional consequence: retained intron. Not counted in ClinVar's aggregate classification.

Dr. Peter K. Rogan Lab, Western University
No classification provided (evidence only). Condition: Thymoma. Review status: no classification provided. Collection method: in vitro. Allele origin: not applicable. Functional consequence: retained intron. Not counted in ClinVar's aggregate classification.

Dr. Peter K. Rogan Lab, Western University
No classification provided (evidence only). Condition: Gastric cancer. Review status: no classification provided. Collection method: in vitro. Allele origin: not applicable. Functional consequence: retained intron. Not counted in ClinVar's aggregate classification.

Dr. Peter K. Rogan Lab, Western University
No classification provided (evidence only). Condition: Gastric cancer. Review status: no classification provided. Collection method: in vitro. Allele origin: not applicable. Functional consequence: retained intron. Not counted in ClinVar's aggregate classification.

Dr. Peter K. Rogan Lab, Western University
No classification provided (evidence only). Condition: Malignant tumor of esophagus. Review status: no classification provided. Collection method: in vitro. Allele origin: not applicable. Functional consequence: retained intron. Not counted in ClinVar's aggregate classification.

Dr. Peter K. Rogan Lab, Western University
No classification provided (evidence only). Condition: Malignant tumor of esophagus. Review status: no classification provided. Collection method: in vitro. Allele origin: not applicable. Functional consequence: retained intron. Not counted in ClinVar's aggregate classification.